The following is an entry in ClinVar:

NM_001018115.3(FANCD2):c.2336G>A (p.Arg779His)

Genes: FANCD2 (FA complementation group D2; plus strand), LOC107303338 (3p25 FANCD2 Alu-mediated recombination region; plus strand). Cytogenetic location: 3p25.3.
Variant type: single nucleotide variant.
Coding change: c.2336G>A on transcript NM_001018115.3 (MANE Select); coding-DNA position 2336, G replaced by A.
Protein change: p.Arg779His; replaces arginine 779 with histidine.
Molecular consequence: missense variant.
Genome position (GRCh38, 1-based): chr3:10,065,930, G>A. VCF-style: chr3-10065930-G-A. GRCh37 (hg19) VCF-style: chr3-10107614-G-A.
Other names: c.2336G>A (NM_033084.3, NM_033084.4); c.2336G>A, p.Arg779His (NM_001319984.2, NM_001374254.1, NM_033084.6); c.2225G>A, p.Arg742His (NM_001374253.1); short protein forms R779H, R742H.
Identifiers: ClinVar variation 1366593 (VCV001366593.9), dbSNP rs377083479, ClinGen allele CA2250041.

ClinVar aggregate classification (germline): Conflicting classifications of pathogenicity. Review status: criteria provided, conflicting classifications (1 of 4 stars). 4 submissions from 4 submitters: Uncertain significance (3); Likely benign (1). Last evaluated 2024-12-23.

Conditions:
Fanconi anemia (FA). Also called: Fanconi's anemia. Identifiers: Orphanet 84, MedGen C0015625, MeSH D005199, MONDO:0019391.
Inborn genetic diseases. Identifiers: MedGen C0950123, MeSH D030342.
Fanconi anemia complementation group D2. Also called: FANCD2-Related Fanconi Anemia; FANCONI PANCYTOPENIA, TYPE 4; FANCONI ANEMIA, COMPLEMENTATION GROUP D. Identifiers: Orphanet 84, MedGen C3160738, MONDO:0009214, OMIM 227646.

Allele frequency attached by ClinVar (database versions not stated): ESP Exome Variant Server 0.00008; TOPMed 0.00018; 1000 Genomes Project 0.00020; 1000 Genomes Project 30x 0.00031.
gnomAD v4.1: 38 of 1,613,512 alleles (0.0024%); highest among the groups gnomAD compares: African/African-American, 0.019%; no homozygotes.

Submissions (4):

Labcorp Genetics (formerly Invitae), Labcorp
Classification: Uncertain significance for Fanconi anemia. Last evaluated: 2024-12-23. Review status: criteria provided, single submitter. Criteria: Invitae Variant Classification Sherloc (09022015). Collection method: clinical testing. Allele origin: germline.
Comment: This sequence change replaces arginine, which is basic and polar, with histidine, which is basic and polar, at codon 779 of the FANCD2 protein (p.Arg779His). This variant is present in population databases (rs377083479, gnomAD 0.01%). This variant has not been reported in the literature in individuals affected with FANCD2-related conditions. ClinVar contains an entry for this variant (Variation ID: 1366593). Invitae Evidence Modeling of protein sequence and biophysical properties (such as structural, functional, and spatial information, amino acid conservation, physicochemical variation, residue mobility, and thermodynamic stability) indicates that this missense variant is expected to disrupt FANCD2 protein function with a positive predictive value of 80%. In summary, the available evidence is currently insufficient to determine the role of this variant in disease. Therefore, it has been classified as a Variant of Uncertain Significance.

Fulgent Genetics
Classification: Uncertain significance for Fanconi anemia complementation group D2. Last evaluated: 2024-04-30. Review status: criteria provided, single submitter. Criteria: ACMG Guidelines, 2015. Collection method: clinical testing. Allele origin: germline.

Blueprint Genetics
Classification: Likely benign. Last evaluated: 2021-11-22. Review status: criteria provided, single submitter. Criteria: ACMG Guidelines, 2015. Collection method: clinical testing. Allele origin: germline.

Ambry Genetics
Classification: Uncertain significance for Inborn genetic diseases. Last evaluated: 2021-08-02. Review status: criteria provided, single submitter. Criteria: Ambry Variant Classification Scheme 2023. Collection method: clinical testing. Allele origin: germline.